The following is an entry in ClinVar:

ClinVar aggregate classification (germline): Likely benign. Review status: criteria provided, multiple submitters, no conflicts (2 of 4 stars). 4 submissions from 4 submitters: Likely benign (4). Last evaluated 2025-12-29.

Conditions:
Inborn genetic diseases. Identifiers: MedGen C0950123, MeSH D030342.
INF2-related disorder. Also called: INF2-related condition.
Charcot-Marie-Tooth disease dominant intermediate E. Also called: CHARCOT-MARIE-TOOTH NEUROPATHY WITH FOCAL SEGMENTAL GLOMERULONEPHRITIS. Identifiers: Orphanet 93114, MedGen C4302667, MONDO:0013758, OMIM 614455.
Focal segmental glomerulosclerosis 5 (FSGS5). Identifiers: Orphanet 656, MedGen C2750475, MONDO:0013191, OMIM 613237.

Allele frequency attached by ClinVar (database versions not stated): ExAC below 0.00001; gnomAD 0.00004; TOPMed 0.00005.
gnomAD v4.1: 62 of 1,599,224 alleles (0.0039%); highest among the groups gnomAD compares: Non-Finnish European, 0.005%; no homozygotes.

Submissions (4):

Labcorp Genetics (formerly Invitae), Labcorp
Classification: Likely benign for Charcot-Marie-Tooth disease dominant intermediate E; Focal segmental glomerulosclerosis 5. Last evaluated: 2025-12-29. Review status: criteria provided, single submitter. Criteria: Invitae Variant Classification Sherloc (09022015). Collection method: clinical testing. Allele origin: germline.

PreventionGenetics, part of Exact Sciences
Classification: Likely benign for INF2-related condition. Last evaluated: 2025-12-19. Review status: criteria provided, single submitter. Criteria: ACMG Guidelines, 2015. Collection method: clinical testing. Allele origin: germline.
Comment: This variant is classified as likely benign based on ACMG/AMP sequence variant interpretation guidelines (Richards et al. 2015 PMID: 25741868, with internal and published modifications).

Women's Health and Genetics/Laboratory Corporation of America, LabCorp
Classification: Likely benign. Last evaluated: 2024-11-29. Review status: criteria provided, single submitter. Criteria: LabCorp Variant Classification Summary - May 2015. Collection method: clinical testing. Allele origin: germline.

Ambry Genetics
Classification: Likely benign for Inborn genetic diseases. Last evaluated: 2019-07-11. Review status: criteria provided, single submitter. Criteria: Ambry Variant Classification Scheme 2023. Collection method: clinical testing. Allele origin: germline.

NM_022489.4(INF2):c.3606G>A (p.Ser1202=)

Gene: INF2 (inverted formin 2; plus strand). Cytogenetic location: 14q32.33.
Variant type: single nucleotide variant.
Coding change: c.3606G>A on transcript NM_022489.4 (MANE Select); coding-DNA position 3606, G replaced by A.
Protein change: p.Ser1202=; no amino-acid change (serine 1202 retained).
Molecular consequence: synonymous variant.
Genome position (GRCh38, 1-based): chr14:104,714,768, G>A. VCF-style: chr14-104714768-G-A. GRCh37 (hg19) VCF-style: chr14-105181105-G-A.
Other names: c.3606G>A, p.Ser1202= (NM_001031714.4).
Identifiers: ClinVar variation 472857 (VCV000472857.14), dbSNP rs756383109, ClinGen allele CA7373318.